The following is an entry in ClinVar:

ClinVar aggregate classification (germline): Uncertain significance (1 of 4 stars; one submission).

Conditions:
3-methylglutaconic aciduria, type VIIB (MGCA7B). Also called: CLPB Deficiency; 3-methylglutaconic aciduria, type VII, with cataracts, neurologic involvement and neutropenia; 3-methylglutaconic aciduria with cataracts, neurologic involvement and neutropenia. Identifiers: Orphanet 445038, MedGen C5676893, MONDO:0014561, OMIM 616271.

Submission:

Labcorp Genetics (formerly Invitae), Labcorp
Classification: Uncertain significance for 3-methylglutaconic aciduria, type VIIB. Last evaluated: 2025-12-06. Review status: criteria provided, single submitter. Criteria: Invitae Variant Classification Sherloc (09022015). Collection method: clinical testing. Allele origin: germline.
Comment: This sequence change replaces asparagine, which is neutral and polar, with threonine, which is neutral and polar, at codon 179 of the CLPB protein (p.Asn179Thr). This variant is not present in population databases (gnomAD no frequency). This variant has not been reported in the literature in individuals affected with CLPB-related conditions. An algorithm developed to predict the effect of missense changes on protein structure and function (PolyPhen-2) suggests that this variant is likely to be disruptive. In summary, the available evidence is currently insufficient to determine the role of this variant in disease. Therefore, it has been classified as a Variant of Uncertain Significance.

NM_001258392.3(CLPB):c.536A>C (p.Asn179Thr)

Gene: CLPB (ClpB family mitochondrial disaggregase; minus strand). Cytogenetic location: 11q13.4.
Variant type: single nucleotide variant.
Coding change: c.536A>C on transcript NM_001258392.3 (MANE Select); coding-DNA position 536, A replaced by C.
Protein change: p.Asn179Thr; replaces asparagine 179 with threonine.
Molecular consequence: missense variant. On other transcripts: intron variant (1).
Genome position (GRCh38, 1-based): chr11:72,402,972, T>G on the plus strand (A>C on the coding strand, the complement: CLPB is on the minus strand). VCF-style: chr11-72402972-T-G. GRCh37 (hg19) VCF-style: chr11-72114016-T-G.
Other names: c.401A>C, p.Asn134Thr (NM_001258394.3); c.536A>C, p.Asn179Thr (NM_030813.6); c.456-22588A>C (NM_001258393.3); short protein forms N134T, N179T.
Identifiers: ClinVar variation 4710471 (VCV004710471.1).